The following is an entry in ClinVar:

NM_006486.3(FBLN1):c.1698-11326C>T

Gene: FBLN1 (fibulin 1; plus strand). Cytogenetic location: 22q13.31.
Variant type: single nucleotide variant.
Coding change: c.1698-11326C>T on transcript NM_006486.3 (MANE Select); 11326 bases into the intron before coding-DNA position 1698, C replaced by T.
Molecular consequence: intron variant. On other transcripts: synonymous variant (1).
Genome position (GRCh38, 1-based): chr22:45,563,185, C>T. VCF-style: chr22-45563185-C-T. GRCh37 (hg19) VCF-style: chr22-45959065-C-T.
Other names: c.1971C>T, p.Thr657= (NM_001996.4); c.1698-1699C>T (NM_006485.4).
Identifiers: ClinVar variation 3039995 (VCV003039995.3), dbSNP rs370127098, ClinGen allele CA10287116.

ClinVar aggregate classification (germline): Likely benign. Review status: criteria provided, single submitter (1 of 4 stars). 2 submissions from 2 submitters: Likely benign (1). 1 of the submissions does not count toward it. Last evaluated 2023-05-05.

Conditions:
FBLN1-related disorder. Also called: FBLN1-related condition.

Allele frequency attached by ClinVar (database versions not stated): ExAC 0.00007; ESP Exome Variant Server 0.00008.
gnomAD v4.1: 334 of 1,613,634 alleles (0.021%); highest among the groups gnomAD compares: Non-Finnish European, 0.026%; 1 homozygote.

Submissions (2):

Blueprint Genetics
Classification: Likely benign. Last evaluated: 2023-05-05. Review status: criteria provided, single submitter. Criteria: ACMG Guidelines, 2015. Collection method: clinical testing. Allele origin: germline.

PreventionGenetics, part of Exact Sciences
Classification: Likely benign for FBLN1-related condition. Last evaluated: 2019-03-22. Review status: no assertion criteria provided. Collection method: clinical testing. Allele origin: germline. Not counted in ClinVar's aggregate classification.
Comment: This variant is classified as likely benign based on ACMG/AMP sequence variant interpretation guidelines (Richards et al. 2015 PMID: 25741868, with internal and published modifications).